The following is an entry in ClinVar:

NM_198503.5(KCNT2):c.1535C>G (p.Ser512Cys)

Gene: KCNT2 (potassium sodium-activated channel subfamily T member 2; minus strand). Cytogenetic location: 1q31.3.
Variant type: single nucleotide variant.
Coding change: c.1535C>G on transcript NM_198503.5 (MANE Select); coding-DNA position 1535, C replaced by G.
Protein change: p.Ser512Cys; replaces serine 512 with cysteine.
Molecular consequence: missense variant. On other transcripts: non-coding transcript variant (2), intron variant (1).
Genome position (GRCh38, 1-based): chr1:196,342,097, G>C on the plus strand (C>G on the coding strand, the complement: KCNT2 is on the minus strand). VCF-style: chr1-196342097-G-C. GRCh37 (hg19) VCF-style: chr1-196311227-G-C.
Other names: c.1535C>G, p.Ser512Cys (NM_001287819.3); c.1404-1527C>G (NM_001287820.3); short protein forms S512C.
Identifiers: ClinVar variation 3239245 (VCV003239245.19), dbSNP rs2527067686.

ClinVar aggregate classification (germline): Uncertain significance (1 of 4 stars; one submission).

Submission:

CeGaT Center for Human Genetics Tuebingen
Classification: Uncertain significance. Last evaluated: 2024-05-01. Review status: criteria provided, single submitter. Criteria: CeGaT Center For Human Genetics Tuebingen Variant Classification Criteria Version 2. Collection method: clinical testing. Allele origin: germline. Affected: yes. Observed: 1 variant allele.
Comment: KCNT2: PM2